The following is an entry in ClinVar:

NM_000289.6(PFKM):c.1172_1173delinsAGTAAATGA (p.Val391delinsGluTer)

Gene: PFKM (phosphofructokinase, muscle; plus strand). Cytogenetic location: 12q13.11.
Variant type: Indel.
Coding change: c.1172_1173delinsAGTAAATGA on transcript NM_000289.6 (MANE Select); coding-DNA positions 1172 to 1173, TC replaced by AGTAAATGA.
Protein change: p.Val391delinsGluTer.
Molecular consequence: nonsense. On other transcripts: non-coding transcript variant (6).
Genome position (GRCh38, 1-based): chr12:48,139,893-48,139,894, TC replaced by AGTAAATGA. VCF-style: chr12-48139893-TC-AGTAAATGA. GRCh37 (hg19) VCF-style: chr12-48533676-TC-AGTAAATGA.
Other names: c.1385_1386delinsAGTAAATGA, p.Val462delinsGluTer (NM_001166686.2, NM_001354737.1, NM_001354738.1 and 1 more transcripts); c.1172_1173delinsAGTAAATGA, p.Val391delinsGluTer (NM_001166687.2, NM_001166688.2, NM_001354742.2 and 2 more transcripts); c.1481_1482delinsAGTAAATGA, p.Val494delinsGluTer (NM_001354735.1, NM_001354736.1); c.1316_1317delinsAGTAAATGA, p.Val439delinsGluTer (NM_001354740.1); c.1196_1197delinsAGTAAATGA, p.Val399delinsGluTer (NM_001354741.2); c.1085_1086delinsAGTAAATGA, p.Val362delinsGluTer (NM_001354745.2); c.1046_1047delinsAGTAAATGA, p.Val349delinsGluTer (NM_001354746.2); c.1022_1023delinsAGTAAATGA, p.Val341delinsGluTer (NM_001354747.2, NM_001354748.2); and 2 more.
Identifiers: ClinVar variation 5011027 (VCV005011027.1).

ClinVar aggregate classification (germline): Pathogenic (1 of 4 stars; one submission).

Conditions:
Glycogen storage disease, type VII (GSD7). Also called: GSD VII; MUSCLE PHOSPHOFRUCTOKINASE DEFICIENCY; PFKM DEFICIENCY; TARUI DISEASE. Identifiers: Orphanet 371, MedGen C0017926, MONDO:0009295, OMIM 232800.

Submission:

Myriad Genetics, Inc.
Classification: Pathogenic for Glycogen storage disease, type VII. Last evaluated: 2024-05-14. Review status: criteria provided, single submitter. Criteria: Myriad Autosomal Dominant, Autosomal Recessive and X-Linked Classification Criteria (2023). Collection method: clinical testing. Allele origin: unknown.
Comment: NM_001166686.1(PFKM):c.1385_1386del2ins9(V462Efs*2) is expected to be pathogenic in the context of glycogen storage disease, PFKM-related. This variant is predicted to lead to an abnormal or absent protein product due to the creation of a premature termination codon in PFKM, a gene where loss-of-function variants are known to be pathogenic. Please note: this variant was assessed in the context of healthy population screening.